The following is an entry in ClinVar:

NM_000517.6(HBA2):c.96-44_105del

Genes: HBA2 (hemoglobin subunit alpha 2; plus strand), LOC106804612 (hemoglobin subunit alpha 2 recombination region; plus strand). Cytogenetic location: 16p13.3.
Variant type: Deletion.
Coding change: c.96-44_105del on transcript NM_000517.6 (MANE Select); 44 bases into the intron before coding-DNA position 96 through coding-DNA position 105, 54 bases deleted.
Molecular consequence: splice acceptor variant.
Genome position (GRCh38, 1-based): chr16:173,081-173,134, 54 bases deleted. GRCh37 (hg19): chr16:223,080-223,133.
Identifiers: ClinVar variation 4818691 (VCV004818691.1).

ClinVar aggregate classification (germline): Pathogenic (1 of 4 stars; one submission).

Conditions:
alpha Thalassemia. Also called: Alpha thalassemia spectrum. Identifiers: Orphanet 846, MedGen C0002312, MONDO:0011399, OMIM 604131.

Submission:

Natera, Inc.
Classification: Pathogenic for Alpha thalassemia. Last evaluated: 2025-11-08. Review status: criteria provided, single submitter. Criteria: Natera Variant Classification Schema (03/2026). Collection method: clinical testing. Allele origin: germline.
Comment: The c.96-44_105del variant in HBA2 is a deletion affecting a canonical splice acceptor site. This variant is expected to result in nonsense mediated decay, truncation, or a dysfunctional protein product. This variant is rare in the general population with a frequency below the threshold expected for the associated phenotype(s). Another variant at this same site results in an alteration predicted to cause a similar molecular effect has been observed in individual(s) with the associated phenotype. Given the available evidence, this variant is classified as Pathogenic.